The following is an entry in ClinVar:

ClinVar aggregate classification (germline): Uncertain significance (1 of 4 stars; one submission).

Allele frequency attached by ClinVar (database versions not stated): gnomAD exomes below 0.00001; ExAC 0.00001; gnomAD 0.00001; TOPMed 0.00001; ESP Exome Variant Server 0.00008.
gnomAD v4.1: 4 of 1,614,014 alleles (0.00025%); highest among the groups gnomAD compares: African/African-American, 0.0027%; no homozygotes.

Submission:

Labcorp Genetics (formerly Invitae), Labcorp
Classification: Uncertain significance. Last evaluated: 2020-12-26. Review status: criteria provided, single submitter. Criteria: Invitae Variant Classification Sherloc (09022015). Collection method: clinical testing. Allele origin: germline.
Comment: This variant has not been reported in the literature in individuals with ADAMTS18-related conditions. This variant is present in population databases (rs144455612, ExAC 0.01%). This sequence change replaces serine with cysteine at codon 1001 of the ADAMTS18 protein (p.Ser1001Cys). The serine residue is highly conserved and there is a moderate physicochemical difference between serine and cysteine. Algorithms developed to predict the effect of missense changes on protein structure and function are either unavailable or do not agree on the potential impact of this missense change (SIFT: "Not Available"; PolyPhen-2: "Probably Damaging"; Align-GVGD: "Not Available"). In summary, the available evidence is currently insufficient to determine the role of this variant in disease. Therefore, it has been classified as a Variant of Uncertain Significance.

NM_199355.4(ADAMTS18):c.3002C>G (p.Ser1001Cys)

Gene: ADAMTS18 (ADAM metallopeptidase with thrombospondin type 1 motif 18; minus strand). Cytogenetic location: 16q23.1.
Variant type: single nucleotide variant.
Coding change: c.3002C>G on transcript NM_199355.4 (MANE Select); coding-DNA position 3002, C replaced by G.
Protein change: p.Ser1001Cys; replaces serine 1001 with cysteine.
Molecular consequence: missense variant.
Genome position (GRCh38, 1-based): chr16:77,294,927, G>C on the plus strand (C>G on the coding strand, the complement: ADAMTS18 is on the minus strand). VCF-style: chr16-77294927-G-C. GRCh37 (hg19) VCF-style: chr16-77328824-G-C.
Other names: c.2486C>G, p.Ser829Cys (NM_001326358.2); short protein forms S829C, S1001C.
Identifiers: ClinVar variation 1472679 (VCV001472679.6), dbSNP rs144455612, ClinGen allele CA8180672.
Genomic context (GRCh38, chr16:77,294,927, plus strand): 5'-CTACTTTTGCCTTCATGGGGACCGAGAATAGTAACTCCCAAGTTTTCTCCTGTTACCTGA[G>C]ACCAGGGTCCAAGGCTCCATTGTGGAGGGCAGGCATGGCTGTTGCAGGCTTGGACCTGAG-3'
Protein context (NP_955387.1, residues 991-1011): CPPQWSLGPW[Ser1001Cys]QCSKTCGRGV